The following is an entry in ClinVar:

ClinVar aggregate classification (germline): Uncertain significance. Review status: criteria provided, multiple submitters, no conflicts (2 of 4 stars). 3 submissions from 3 submitters: Uncertain significance (3). Last evaluated 2026-05-12.

Conditions:
ZNF469-related disorder. Also called: ZNF469-related condition.

Allele frequency attached by ClinVar (database versions not stated): gnomAD 0.00001; TOPMed 0.00002.
gnomAD v4.1: 43 of 1,544,386 alleles (0.0028%); highest among the groups gnomAD compares: African/African-American, 0.0041%; no homozygotes.

Submissions (3):

Women's Health and Genetics/Laboratory Corporation of America, LabCorp
Classification: Uncertain significance. Last evaluated: 2026-05-12. Review status: criteria provided, single submitter. Criteria: LabCorp Variant Classification Summary - May 2015. Collection method: clinical testing. Allele origin: germline.
Comment: Variant summary: ZNF469 c.2308C>T (p.Pro770Ser) results in a non-conservative amino acid change in the encoded protein sequence. Algorithms developed to predict the effect of missense changes on protein structure and function are either unavailable or do not agree on the potential impact of this missense change. The frequency data for this variant in gnomAD is considered unreliable, as metrics indicate poor data quality at this position. To our knowledge, no occurrence of c.2308C>T in individuals affected with ZNF469-related conditions and no experimental evidence demonstrating its impact on protein function have been reported. ClinVar contains an entry for this variant (Variation ID: 452674). Based on the evidence outlined above, the variant was classified as uncertain significance.

PreventionGenetics, part of Exact Sciences
Classification: Uncertain significance for ZNF469-related condition. Last evaluated: 2025-12-12. Review status: criteria provided, single submitter. Criteria: ACMG Guidelines, 2015. Collection method: clinical testing. Allele origin: germline.
Comment: The ZNF469 c.2308C>T variant is predicted to result in the amino acid substitution p.Pro770Ser. To our knowledge, this variant has not been reported in the literature. This variant is reported in 0.0019% of alleles in individuals of European (Non-Finnish) descent in gnomAD. At this time, the clinical significance of this variant is uncertain due to the absence of conclusive functional and genetic evidence.

GeneDx
Classification: Uncertain significance. Last evaluated: 2024-04-19. Review status: criteria provided, single submitter. Criteria: GeneDx Variant Classification Process June 2021. Collection method: clinical testing. Allele origin: germline. Affected: yes.
Comment: Not observed at significant frequency in large population cohorts (gnomAD); In silico analysis indicates that this missense variant does not alter protein structure/function; Has not been previously published as pathogenic or benign to our knowledge

NM_001367624.2(ZNF469):c.2308C>T (p.Pro770Ser)

Gene: ZNF469 (zinc finger protein 469; plus strand). Cytogenetic location: 16q24.2.
Variant type: single nucleotide variant.
Coding change: c.2308C>T on transcript NM_001367624.2 (MANE Select); coding-DNA position 2308, C replaced by T.
Protein change: p.Pro770Ser; replaces proline 770 with serine.
Molecular consequence: missense variant.
Genome position (GRCh38, 1-based): chr16:88,429,778, C>T. VCF-style: chr16-88429778-C-T. GRCh37 (hg19) VCF-style: chr16-88496186-C-T.
Other names: NM_001127464.1:c.2308C>T; NM_001127464.2:c.2308C>T; short protein forms P770S.
Identifiers: ClinVar variation 452674 (VCV000452674.4), dbSNP rs1039078920, ClinGen allele CA286373542.